The following is an entry in ClinVar:

NM_001197104.2(KMT2A):c.1975G>T (p.Glu659Ter)

Gene: KMT2A (lysine methyltransferase 2A; plus strand). Cytogenetic location: 11q23.3.
Variant type: single nucleotide variant.
Coding change: c.1975G>T on transcript NM_001197104.2 (MANE Select); coding-DNA position 1975, G replaced by T.
Protein change: p.Glu659Ter; replaces glutamic acid 659 with a stop codon.
Molecular consequence: nonsense.
Genome position (GRCh38, 1-based): chr11:118,473,134, G>T. VCF-style: chr11-118473134-G-T. GRCh37 (hg19) VCF-style: chr11-118343849-G-T.
Other names: c.1975G>T (NM_001197104.1); c.1975G>T, p.Glu659Ter (NM_005933.4); short protein forms E659*.
Identifiers: ClinVar variation 1455480 (VCV001455480.7), dbSNP rs374545538, ClinGen allele CA382811931.

ClinVar aggregate classification (germline): Pathogenic. Review status: criteria provided, multiple submitters, no conflicts (2 of 4 stars). 2 submissions from 2 submitters: Pathogenic (2). Last evaluated 2026-03-13.

Submissions (2):

GeneDx
Classification: Pathogenic. Last evaluated: 2026-03-13. Review status: criteria provided, single submitter. Criteria: GeneDx Variant Classification Process June 2021. Collection method: clinical testing. Allele origin: germline.
Comment: Nonsense variant predicted to result in protein truncation or nonsense mediated decay in a gene for which loss of function is a known mechanism of disease; Not observed at significant frequency in large population cohorts (gnomAD); Has not been previously published as pathogenic or benign to our knowledge

Labcorp Genetics (formerly Invitae), Labcorp
Classification: Pathogenic. Last evaluated: 2021-06-07. Review status: criteria provided, single submitter. Criteria: Invitae Variant Classification Sherloc (09022015). Collection method: clinical testing. Allele origin: germline.
Comment: For these reasons, this variant has been classified as Pathogenic. This variant has not been reported in the literature in individuals with KMT2A-related conditions. This variant is not present in population databases (ExAC no frequency). This sequence change creates a premature translational stop signal (p.Glu659*) in the KMT2A gene. It is expected to result in an absent or disrupted protein product. Loss-of-function variants in KMT2A are known to be pathogenic (PMID: 22795537, 25810209, 29574747).

Literature cited by the submitters: PubMed 22795537 (cited by Labcorp Genetics (formerly Invitae), Labcorp); PubMed 25810209 (cited by Labcorp Genetics (formerly Invitae), Labcorp); PubMed 29574747 (cited by Labcorp Genetics (formerly Invitae), Labcorp).